The following is an entry in ClinVar:

ClinVar aggregate classification (germline): Likely benign. Review status: criteria provided, multiple submitters, no conflicts (2 of 4 stars). 3 submissions from 3 submitters: Likely benign (3). Last evaluated 2025-12-21.

Conditions:
Inborn genetic diseases. Identifiers: MedGen C0950123, MeSH D030342.
Early-infantile DEE. Also called: Early infantile epileptic encephalopathy with suppression bursts; Ohtahara syndrome; Early infantile epileptic encephalopathy. Identifiers: Orphanet 1934, MedGen C0393706, MONDO:0800491.

Allele frequency attached by ClinVar (database versions not stated): gnomAD exomes 0.00002 and 0.00003; ExAC 0.00001; gnomAD 0.00001.
gnomAD v4.1: 41 of 1,612,154 alleles (0.0025%); highest among the groups gnomAD compares: East Asian, 0.0045%; no homozygotes.

Submissions (3):

Labcorp Genetics (formerly Invitae), Labcorp
Classification: Likely benign for Early-infantile DEE. Last evaluated: 2025-12-21. Review status: criteria provided, single submitter. Criteria: Invitae Variant Classification Sherloc (09022015). Collection method: clinical testing. Allele origin: germline.

Women's Health and Genetics/Laboratory Corporation of America, LabCorp
Classification: Likely benign. Last evaluated: 2022-02-02. Review status: criteria provided, single submitter. Criteria: LabCorp Variant Classification Summary - May 2015. Collection method: clinical testing. Allele origin: germline.
Comment: Variant summary: KCNQ2 c.822G>A alters a non-conserved nucleotide resulting in a synonymous change. 4/4 computational tools predict no significant impact on normal splicing. However, these predictions have yet to be confirmed by functional studies. The variant allele was found at a frequency of 1.6e-05 in 250722 control chromosomes. The available data on variant occurrences in the general population are insufficient to allow any conclusion about variant significance. To our knowledge, no occurrence of c.822G>A in individuals affected with KCNQ2-Related Disorders and no experimental evidence demonstrating its impact on protein function have been reported. No clinical diagnostic laboratories have submitted clinical-significance assessments for this variant to ClinVar after 2014. Based on the evidence outlined above, the variant was classified as likely benign.

Ambry Genetics
Classification: Likely benign for Inborn genetic diseases. Last evaluated: 2018-03-09. Review status: criteria provided, single submitter. Criteria: Ambry Variant Classification Scheme 2023. Collection method: clinical testing. Allele origin: germline.

Literature cited by the submitters: PubMed 25959266 (cited by Ambry Genetics).

NM_172107.4(KCNQ2):c.822G>A (p.Thr274=)

Gene: KCNQ2 (potassium voltage-gated channel subfamily Q member 2; minus strand). Cytogenetic location: 20q13.33.
Variant type: single nucleotide variant.
Coding change: c.822G>A on transcript NM_172107.4 (MANE Select); coding-DNA position 822, G replaced by A.
Protein change: p.Thr274=; no amino-acid change (threonine 274 retained).
Molecular consequence: synonymous variant.
Genome position (GRCh38, 1-based): chr20:63,439,703, C>T on the plus strand (G>A on the coding strand, the complement: KCNQ2 is on the minus strand). VCF-style: chr20-63439703-C-T. GRCh37 (hg19) VCF-style: chr20-62071056-C-T.
Other names: c.822G>A, p.Thr274= (NM_001382235.1, NM_004518.6, NM_172106.3 and 2 more transcripts).
Identifiers: ClinVar variation 1343752 (VCV001343752.6), dbSNP rs377485599, ClinGen allele CA9958712.